The following is an entry in ClinVar:

ClinVar aggregate classification (germline): Uncertain significance (1 of 4 stars; one submission).

Submission:

Mayo Clinic Laboratories, Mayo Clinic
Classification: Uncertain significance. Last evaluated: 2025-12-04. Review status: criteria provided, single submitter. Criteria: ACMG Guidelines, 2015. Collection method: clinical testing. Allele origin: germline. Observed: 1 variant allele.
Comment: BP4_moderate, PM2_supporting

NM_015175.3(NBEAL2):c.7416G>C (p.Lys2472Asn)

Gene: NBEAL2 (neurobeachin like 2; plus strand). Cytogenetic location: 3p21.31.
Variant type: single nucleotide variant.
Coding change: c.7416G>C on transcript NM_015175.3 (MANE Select); coding-DNA position 7416, G replaced by C.
Protein change: p.Lys2472Asn; replaces lysine 2472 with asparagine.
Molecular consequence: missense variant.
Genome position (GRCh38, 1-based): chr3:47,007,606, G>C. VCF-style: chr3-47007606-G-C. GRCh37 (hg19) VCF-style: chr3-47049096-G-C.
Other names: p.Lys2472Asn; c.7314G>C, p.Lys2438Asn (NM_001365116.2); short protein forms K2438N, K2472N.
Identifiers: ClinVar variation 4540864 (VCV004540864.1).
Genomic context (GRCh38, chr3:47,007,606, plus strand): 5'-CCCGTGGGTGCCAGGCAGTGGTGTGAGTGGACAAGCACTGGCAGTGGCCCCGGATGGAAA[G>C]CTGCTATTCAGCGGTGGCCACTGGGATGGCAGCCTGCGGGTGACTGCACTACCCCGTGGC-3'
Protein context (NP_055990.1, residues 2462-2482): GQALAVAPDG[Lys2472Asn]LLFSGGHWDG